The following is an entry in ClinVar:

NM_001111.5(ADAR):c.*2A>G

Gene: ADAR (adenosine deaminase RNA specific; minus strand). Cytogenetic location: 1q21.3.
Variant type: single nucleotide variant.
Coding change: c.*2A>G on transcript NM_001111.5 (MANE Select); 2 bases downstream of the stop codon, A replaced by G.
Molecular consequence: 3 prime UTR variant.
Genome position (GRCh38, 1-based): chr1:154,584,804, T>C on the plus strand (A>G on the coding strand, the complement: ADAR is on the minus strand). VCF-style: chr1-154584804-T-C. GRCh37 (hg19) VCF-style: chr1-154557280-T-C.
Other names: c.*2A>G (NM_001025107.3, NM_001193495.2, NM_001365045.1 and 6 more transcripts).
Identifiers: ClinVar variation 3058649 (VCV003058649.2), dbSNP rs769951204, ClinGen allele CA1130913.
Genomic context (GRCh38, chr1:154,584,804, plus strand): 5'-TACGACCTACCTCTCTCACACCCTAGTATGACACACCCTAATCCATCTGTCACTGGAGCA[T>C]ACTATACTGGGCAGAGATAAAAGTTCTTTTCCTCCTGGGGTTTGCTAATCCAGTTCCCAT-3'

ClinVar aggregate classification (germline): Likely benign (0 of 4 stars; one submission).

Conditions:
ADAR-related disorder. Also called: ADAR-related disorders; ADAR-related condition.

Allele frequency attached by ClinVar (database versions not stated): ExAC 0.00001; gnomAD exomes 0.00001; gnomAD 0.00003; TOPMed 0.00004.

Submission:

PreventionGenetics, part of Exact Sciences
Classification: Likely benign for ADAR-related condition. Last evaluated: 2019-03-21. Review status: no assertion criteria provided. Collection method: clinical testing. Allele origin: germline.
Comment: This variant is classified as likely benign based on ACMG/AMP sequence variant interpretation guidelines (Richards et al. 2015 PMID: 25741868, with internal and published modifications).